The following is an entry in ClinVar:

ClinVar aggregate classification (germline): Conflicting classifications of pathogenicity. Review status: criteria provided, conflicting classifications (1 of 4 stars). 2 submissions from 2 submitters: Uncertain significance (1); Likely benign (1). Last evaluated 2024-11-13.

Allele frequency attached by ClinVar (database versions not stated): gnomAD 0.00001; TOPMed 0.00003; ExAC 0.00006.
gnomAD v4.1: 62 of 1,613,982 alleles (0.0038%); highest among the groups gnomAD compares: Admixed American, 0.018%; no homozygotes.

Submissions (2):

Ambry Genetics
Classification: Likely benign. Last evaluated: 2024-11-13. Review status: criteria provided, single submitter. Criteria: Ambry Variant Classification Scheme 2023. Collection method: clinical testing. Allele origin: germline.

Labcorp Genetics (formerly Invitae), Labcorp
Classification: Uncertain significance. Last evaluated: 2023-01-01. Review status: criteria provided, single submitter. Criteria: Invitae Variant Classification Sherloc (09022015). Collection method: clinical testing. Allele origin: germline.
Comment: This sequence change replaces arginine, which is basic and polar, with glutamine, which is neutral and polar, at codon 483 of the KANK1 protein (p.Arg483Gln). This variant is present in population databases (rs749468712, gnomAD 0.02%). In summary, the available evidence is currently insufficient to determine the role of this variant in disease. Therefore, it has been classified as a Variant of Uncertain Significance. Advanced modeling of protein sequence and biophysical properties (such as structural, functional, and spatial information, amino acid conservation, physicochemical variation, residue mobility, and thermodynamic stability) performed at Invitae indicates that this missense variant is expected to disrupt KANK1 protein function. This variant has not been reported in the literature in individuals affected with KANK1-related conditions.

NM_015158.5(KANK1):c.1448G>A (p.Arg483Gln)

Gene: KANK1 (KN motif and ankyrin repeat domains 1; plus strand). Cytogenetic location: 9p24.3.
Variant type: single nucleotide variant.
Coding change: c.1448G>A on transcript NM_015158.5 (MANE Select); coding-DNA position 1448, G replaced by A.
Protein change: p.Arg483Gln; replaces arginine 483 with glutamine.
Molecular consequence: missense variant. On other transcripts: non-coding transcript variant (1).
Genome position (GRCh38, 1-based): chr9:712,214, G>A. VCF-style: chr9-712214-G-A. GRCh37 (hg19) VCF-style: chr9-712214-G-A.
Other names: c.1448G>A, p.Arg483Gln (NM_001256876.3, NM_001256877.3, NM_001354331.2 and 2 more transcripts); c.974G>A, p.Arg325Gln (NM_001354333.2, NM_001354335.2, NM_001354336.2 and 9 more transcripts); c.1448G>A (NM_015158.2); short protein forms R483Q, R325Q.
Identifiers: ClinVar variation 2731679 (VCV002731679.4), dbSNP rs749468712, ClinGen allele CA4960226.
Genomic context (GRCh38, chr9:712,214, plus strand): 5'-AATCCTTGAAGGAAAAGATCTATCGCCTAGAAGTACAGCTTAGAGAAACCACCCATGACC[G>A]GGAGATGACTAAACTGAAACAAGAGCTGCAGGCTGCTGGATCGAGGAAAAAGGTTGACAA-3'
Protein context (NP_055973.2, residues 473-493): EVQLRETTHD[Arg483Gln]EMTKLKQELQ